The following is an entry in ClinVar:

ClinVar aggregate classification (germline): Uncertain significance. Review status: criteria provided, multiple submitters, no conflicts (2 of 4 stars). 2 submissions from 2 submitters: Uncertain significance (2). Last evaluated 2023-08-17.

Conditions:
Developmental and epileptic encephalopathy, 53. Also called: Epileptic encephalopathy, early infantile, 53. Identifiers: MedGen C4479313, MONDO:0033362, OMIM 617389.
Early-onset Parkinson disease 20. Also called: PARKINSON DISEASE 20, AUTOSOMAL RECESSIVE EARLY-ONSET. Identifiers: Orphanet 391411, MedGen C3809824, MONDO:0014233, OMIM 615530.

Allele frequency attached by ClinVar (database versions not stated): ExAC 0.00002; gnomAD exomes 0.00002; TOPMed 0.00002; gnomAD 0.00003.
gnomAD v4.1: 33 of 1,614,032 alleles (0.002%); highest among the groups gnomAD compares: Admixed American, 0.005%; no homozygotes.

Submissions (2):

Mayo Clinic Laboratories, Mayo Clinic
Classification: Uncertain significance. Last evaluated: 2023-08-17. Review status: criteria provided, single submitter. Criteria: ACMG Guidelines, 2015. Collection method: clinical testing. Allele origin: germline. Observed: 1 variant allele.

Labcorp Genetics (formerly Invitae), Labcorp
Classification: Uncertain significance for Developmental and epileptic encephalopathy, 53; Early-onset Parkinson disease 20. Last evaluated: 2018-09-18. Review status: criteria provided, single submitter. Criteria: Invitae Variant Classification Sherloc (09022015). Collection method: clinical testing. Allele origin: germline.
Comment: In summary, the available evidence is currently insufficient to determine the role of this variant in disease. Therefore, it has been classified as a Variant of Uncertain Significance. Algorithms developed to predict the effect of missense changes on protein structure and function are either unavailable or do not agree on the potential impact of this missense change (SIFT: "Deleterious"; PolyPhen-2: "Probably Damaging"; Align-GVGD: "Class C0"). This variant has not been reported in the literature in individuals with SYNJ1-related disease. This variant is present in population databases (rs560413403, ExAC 0.003%). This sequence change replaces threonine with methionine at codon 879 of the SYNJ1 protein (p.Thr879Met). The threonine residue is moderately conserved and there is a moderate physicochemical difference between threonine and methionine.

NM_203446.3(SYNJ1):c.2519C>T (p.Thr840Met)

Gene: SYNJ1 (synaptojanin 1; minus strand). Cytogenetic location: 21q22.11.
Variant type: single nucleotide variant.
Coding change: c.2519C>T on transcript NM_203446.3 (MANE Select); coding-DNA position 2519, C replaced by T.
Protein change: p.Thr840Met; replaces threonine 840 with methionine.
Molecular consequence: missense variant.
Genome position (GRCh38, 1-based): chr21:32,657,063, G>A on the plus strand (C>T on the coding strand, the complement: SYNJ1 is on the minus strand). VCF-style: chr21-32657063-G-A. GRCh37 (hg19) VCF-style: chr21-34029373-G-A.
Other names: p.Thr879Met; c.2519C>T, p.Thr840Met (NM_001160302.2); c.2504C>T, p.Thr835Met (NM_001160306.2); c.2636C>T, p.Thr879Met (NM_003895.4); short protein forms T840M, T835M, T879M.
Identifiers: ClinVar variation 640780 (VCV000640780.8), dbSNP rs560413403, ClinGen allele CA10003646.
Genomic context (GRCh38, chr21:32,657,063, plus strand): 5'-CTGTGGTCAGAAGTCTTCAGCTCAGCTCTTCCATAGTGCAGCAAAGTGCCTGGAGTCCAC[G>A]TGTACAGAATTTTGCTTTCATCTTGAAAACTAGCATTTAGAAGATCTAGATCTTCAGCTG-3'
Protein context (NP_982271.3, residues 830-850): SFQDESKILY[Thr840Met]WTPGTLLHYG